The following is an entry in ClinVar:

ClinVar aggregate classification (germline): Benign (1 of 4 stars; one submission).

Allele frequency attached by ClinVar (database versions not stated): gnomAD exomes 0.00257; gnomAD 0.02150 and 0.02311; TOPMed 0.02459; 1000 Genomes Project 0.02676; 1000 Genomes Project 30x 0.02826.
gnomAD v4.1: 4,706 of 669,266 alleles (0.7%); highest among the groups gnomAD compares: African/African-American, 7.4%; 172 homozygotes.

Submission:

GeneDx
Classification: Benign. Last evaluated: 2018-06-14. Review status: criteria provided, single submitter. Criteria: GeneDx Variant Classification (06012015). Collection method: clinical testing. Allele origin: germline. Affected: yes.
Comment: This variant is considered likely benign or benign based on one or more of the following criteria: it is a conservative change, it occurs at a poorly conserved position in the protein, it is predicted to be benign by multiple in silico algorithms, and/or has population frequency not consistent with disease.

NM_020297.4(ABCC9):c.4212-129G>T

Genes: ABCC9 (ATP binding cassette subfamily C member 9; minus strand), KCNJ8-AS1 (KCNJ8 antisense RNA 1; plus strand). Cytogenetic location: 12p12.1.
Variant type: single nucleotide variant.
Coding change: c.4212-129G>T on transcript NM_020297.4 (MANE Select); 129 bases into the intron before coding-DNA position 4212, G replaced by T.
Molecular consequence: intron variant.
Genome position (GRCh38, 1-based): chr12:21,810,084, C>A on the plus strand (G>T on the coding strand, the complement: ABCC9 is on the minus strand). VCF-style: chr12-21810084-C-A. GRCh37 (hg19) VCF-style: chr12-21963018-C-A.
Other names: c.3345-129G>T (NM_001377274.1); c.4212-129G>T (NM_005691.4, NM_001377273.1).
Identifiers: ClinVar variation 672439 (VCV000672439.1), dbSNP rs74069169, ClinGen allele CA233611039.